The following is an entry in ClinVar:

ClinVar aggregate classification (germline): Uncertain significance (1 of 4 stars; one submission).

Conditions:
TP63-Related Spectrum Disorders.

Submission:

Labcorp Genetics (formerly Invitae), Labcorp
Classification: Uncertain significance. Last evaluated: 2019-07-01. Review status: criteria provided, single submitter. Criteria: Invitae Variant Classification Sherloc (09022015). Collection method: clinical testing. Allele origin: germline.
Comment: In summary, the available evidence is currently insufficient to determine the role of this variant in disease. Therefore, it has been classified as a Variant of Uncertain Significance. Algorithms developed to predict the effect of missense changes on protein structure and function are either unavailable or do not agree on the potential impact of this missense change (SIFT: "Deleterious"; PolyPhen-2: "Possibly Damaging"; Align-GVGD: "Class C0"). This variant has not been reported in the literature in individuals with TP63-related conditions. This variant is not present in population databases (ExAC no frequency). This sequence change replaces threonine with proline at codon 571 of the TP63 protein (p.Thr571Pro). The threonine residue is highly conserved and there is a small physicochemical difference between threonine and proline.

NM_003722.5(TP63):c.1711A>C (p.Thr571Pro)

Gene: TP63 (tumor protein p63; plus strand). Cytogenetic location: 3q28.
Variant type: single nucleotide variant.
Coding change: c.1711A>C on transcript NM_003722.5 (MANE Select); coding-DNA position 1711, A replaced by C.
Protein change: p.Thr571Pro; replaces threonine 571 with proline.
Molecular consequence: missense variant. On other transcripts: intron variant (6).
Genome position (GRCh38, 1-based): chr3:189,890,847, A>C. VCF-style: chr3-189890847-A-C. GRCh37 (hg19) VCF-style: chr3-189608636-A-C.
Other names: c.1429A>C, p.Thr477Pro (NM_001114980.2); c.1174A>C, p.Thr392Pro (NM_001329146.2); c.1699A>C, p.Thr567Pro (NM_001329148.2); c.1705A>C, p.Thr569Pro (NM_001329964.2); c.1652+1363A>C (NM_001114978.2); c.1508-3359A>C (NM_001329144.2); c.1370+1363A>C (NM_001114981.2); c.1226-3359A>C (NM_001329145.2); and 2 more; short protein forms T392P, T477P, T571P, T569P, T567P.
Identifiers: ClinVar variation 935436 (VCV000935436.5), dbSNP rs1720945373, ClinGen allele CA355759107.
Genomic context (GRCh38, chr3:189,890,847, plus strand): 5'-AGTTTCTTAGCGAGGTTGGGCTGTTCATCATGTCTGGACTATTTCACGACCCAGGGGCTG[A>C]CCACCATCTATCAGATTGAGCATTACTCCATGGATGTAAGTAACTGTTAGACTTTTCTCA-3'
Protein context (NP_003713.3, residues 561-581): CLDYFTTQGL[Thr571Pro]TIYQIEHYSM